The following is an entry in ClinVar:

ClinVar aggregate classification (germline): Likely benign. Review status: criteria provided, multiple submitters, no conflicts (2 of 4 stars). 4 submissions from 4 submitters: Likely benign (4). Last evaluated 2025-12-17.

Conditions:
Hereditary cancer-predisposing syndrome. Also called: Neoplastic Syndromes, Hereditary; Hereditary neoplastic syndrome; Tumor predisposition; Hereditary Cancer Syndrome. Identifiers: Orphanet 140162, MedGen C0027672, MeSH D009386, MONDO:0015356.
Breast-ovarian cancer, familial, susceptibility to, 2 (BROVCA2). Also called: BRCA2 Hereditary Breast and Ovarian Cancer. Identifiers: Orphanet 145, MedGen C2675520, MONDO:0012933, OMIM 612555. Disease mechanism: loss of function.
Hereditary breast ovarian cancer syndrome. Also called: Hereditary breast and ovarian cancer; Breast and ovarian cancer; BRCA1- and BRCA2-Associated Hereditary Breast and Ovarian Cancer; Hereditary breast and ovarian cancer syndrome (HBOC); Hereditary breast and/or ovarian cancer syndrome; Hereditary breast and ovarian cancer syndrome. Identifiers: Orphanet 145, MedGen C0677776, MeSH D061325, MONDO:0003582. Disease mechanism: loss of function.

Allele frequency attached by ClinVar (database versions not stated): gnomAD exomes below 0.00001.
gnomAD v4.1: 2 of 1,612,800 alleles (0.00012%); highest among the groups gnomAD compares: Non-Finnish European, 0.00017%; no homozygotes.

Submissions (4):

Labcorp Genetics (formerly Invitae), Labcorp
Classification: Likely benign for Hereditary breast ovarian cancer syndrome. Last evaluated: 2025-12-17. Review status: criteria provided, single submitter. Criteria: Invitae Variant Classification Sherloc (09022015). Collection method: clinical testing. Allele origin: germline.

Ambry Genetics
Classification: Likely benign for Hereditary cancer-predisposing syndrome. Last evaluated: 2025-06-22. Review status: criteria provided, single submitter. Criteria: Ambry Variant Classification Scheme 2023. Collection method: clinical testing. Allele origin: germline.

All of Us Research Program, National Institutes of Health
Classification: Likely benign for Breast-ovarian cancer, familial, susceptibility to, 2. Last evaluated: 2023-04-10. Review status: criteria provided, single submitter. Criteria: ACMG Guidelines, 2015. Collection method: clinical testing. Allele origin: germline. Inheritance: Autosomal dominant inheritance. Observed: 1 variant allele, 1 heterozygote.
Comment: This study involves interpretation of variants in research participants for the purpose of population health screening. Participant phenotype was not available at the time of variant classification. Additional details can be found in publication PMID: 35346344, PMCID: PMC8962531

GeneDx
Classification: Likely benign. Last evaluated: 2016-07-14. Review status: criteria provided, single submitter. Criteria: GeneDx Variant Classification (06012015). Collection method: clinical testing. Allele origin: germline. Affected: yes.
Comment: This variant is considered likely benign or benign based on one or more of the following criteria: it is a conservative change, it occurs at a poorly conserved position in the protein, it is predicted to be benign by multiple in silico algorithms, and/or has population frequency not consistent with disease.

NM_000059.4(BRCA2):c.3642G>A (p.Val1214=)

Gene: BRCA2 (BRCA2 DNA repair associated; plus strand). Cytogenetic location: 13q13.1.
Variant type: single nucleotide variant.
Coding change: c.3642G>A on transcript NM_000059.4 (MANE Select); coding-DNA position 3642, G replaced by A.
Protein change: p.Val1214=; no amino-acid change (valine 1214 retained).
Molecular consequence: synonymous variant.
Genome position (GRCh38, 1-based): chr13:32,337,997, G>A. VCF-style: chr13-32337997-G-A. GRCh37 (hg19) VCF-style: chr13-32912134-G-A.
Identifiers: ClinVar variation 385941 (VCV000385941.6), dbSNP rs1057522376, ClinGen allele CA16607462.
Genomic context (GRCh38, chr13:32,337,997, plus strand): 5'-CCTGTTGAAAAATGACTGTAACAAAAGTGCTTCTGGTTATTTAACAGATGAAAATGAAGT[G>A]GGGTTTAGGGGCTTTTATTCTGCTCATGGCACAAAACTGAATGTTTCTACTGAAGCTCTG-3'
Protein context (NP_000050.3, residues 1204-1224): ASGYLTDENE[Val1214=]GFRGFYSAHG